The following is an entry in ClinVar:

NM_020975.6(RET):c.968C>T (p.Thr323Ile)

Gene: RET (ret proto-oncogene; plus strand). Cytogenetic location: 10q11.21.
Variant type: single nucleotide variant.
Coding change: c.968C>T on transcript NM_020975.6 (MANE Select); coding-DNA position 968, C replaced by T.
Protein change: p.Thr323Ile; replaces threonine 323 with isoleucine.
Molecular consequence: missense variant. On other transcripts: intron variant (25).
Genome position (GRCh38, 1-based): chr10:43,106,476, C>T. VCF-style: chr10-43106476-C-T. GRCh37 (hg19) VCF-style: chr10-43601924-C-T.
Other names: c.968C>T, p.Thr323Ile (NM_000323.2, NM_001406743.1, NM_001406744.1 and 6 more transcripts); c.206C>T, p.Thr69Ile (NM_001355216.2); c.839C>T, p.Thr280Ile (NM_001406761.1, NM_001406762.1, NM_001406764.1 and 1 more transcripts); c.680C>T, p.Thr227Ile (NM_001406766.1, NM_001406767.1, NM_001406770.1); c.867+1283C>T (NM_001406772.1, NM_001406769.1); c.626-2555C>T (NM_001406773.1, NM_001406771.1); c.625+3847C>T (NM_001406782.1, NM_001406780.1, NM_001406779.1 and 3 more transcripts); c.738+1283C>T (NM_001406774.1); and 5 more; short protein forms T227I, T280I, T323I, T69I.
Identifiers: ClinVar variation 3227576 (VCV003227576.1), dbSNP rs2538404118, ClinGen allele CA376546147.

ClinVar aggregate classification (germline): Uncertain significance (1 of 4 stars; one submission).

Conditions:
Hereditary cancer-predisposing syndrome. Also called: Neoplastic Syndromes, Hereditary; Tumor predisposition; Hereditary neoplastic syndrome; Hereditary Cancer Syndrome. Identifiers: Orphanet 140162, MedGen C0027672, MeSH D009386, MONDO:0015356.

Submission:

Ambry Genetics
Classification: Uncertain significance for Hereditary cancer-predisposing syndrome. Last evaluated: 2024-02-02. Review status: criteria provided, single submitter. Criteria: Ambry Variant Classification Scheme 2023. Collection method: clinical testing. Allele origin: germline.
Comment: The p.T323I variant (also known as c.968C>T), located in coding exon 5 of the RET gene, results from a C to T substitution at nucleotide position 968. The threonine at codon 323 is replaced by isoleucine, an amino acid with similar properties. This amino acid position is conserved. In addition, this alteration is predicted to be tolerated by in silico analysis. Based on the available evidence, the clinical significance of this alteration remains unclear.